The following is an entry in ClinVar:

NM_001127255.2(NLRP7):c.1932-11T>A

Gene: NLRP7 (NLR family pyrin domain containing 7; minus strand). Cytogenetic location: 19q13.42.
Variant type: single nucleotide variant.
Coding change: c.1932-11T>A on transcript NM_001127255.2 (MANE Select); 11 bases into the intron before coding-DNA position 1932, T replaced by A.
Molecular consequence: intron variant.
Genome position (GRCh38, 1-based): chr19:54,938,252, A>T on the plus strand (T>A on the coding strand, the complement: NLRP7 is on the minus strand). VCF-style: chr19-54938252-A-T. GRCh37 (hg19) VCF-style: chr19-55449620-A-T.
Other names: c.1932-11T>A (NM_001405531.1, NM_206828.4); c.1932-95T>A (NM_139176.4).
Identifiers: ClinVar variation 5037963 (VCV005037963.2).

ClinVar aggregate classification (germline): Uncertain significance (1 of 4 stars; one submission).

Conditions:
Hydatidiform mole, recurrent, 1 (HYDM1). Identifiers: Orphanet 254688, Orphanet 99927, MedGen C3463897, MONDO:0009273, OMIM 231090. Disease mechanism: loss of function.
Oocyte/zygote/embryo maturation arrest 25. Identifiers: MedGen C6065949, MONDO:0980964, OMIM 621471.

gnomAD v4.1: 2 of 1,612,446 alleles (0.00012%); highest among the groups gnomAD compares: East Asian, 0.0045%; no homozygotes.

Submission:

Juno Genomics, Hangzhou Juno Genomics, Inc
Classification: Uncertain significance for Oocyte/zygote/embryo maturation arrest 25; Hydatidiform mole, recurrent, 1. Review status: criteria provided, single submitter. Criteria: ACMG Guidelines, 2015. Collection method: clinical testing. Allele origin: germline.
Comment: Absent from controls (or at extremely low frequency if recessive) in Genome Aggregation Database.;Multiple lines of computational evidence support a deleterious effect on the gene or gene product.